The following is an entry in ClinVar:

NM_000243.3(MEFV):c.728T>C (p.Leu243Pro)

Gene: MEFV (MEFV innate immunity regulator, pyrin; minus strand). Cytogenetic location: 16p13.3.
Variant type: single nucleotide variant.
Coding change: c.728T>C on transcript NM_000243.3 (MANE Select); coding-DNA position 728, T replaced by C.
Protein change: p.Leu243Pro; replaces leucine 243 with proline.
Molecular consequence: missense variant. On other transcripts: intron variant (1).
Genome position (GRCh38, 1-based): chr16:3,254,340, A>G on the plus strand (T>C on the coding strand, the complement: MEFV is on the minus strand). VCF-style: chr16-3254340-A-G. GRCh37 (hg19) VCF-style: chr16-3304340-A-G.
Other names: c.277+1971T>C (NM_001198536.2); short protein forms L243P.
Identifiers: ClinVar variation 1710031 (VCV001710031.2), dbSNP rs2543155973, ClinGen allele CA394478085.

ClinVar aggregate classification (germline): Uncertain significance (1 of 4 stars; one submission).

Conditions:
Familial Mediterranean fever (FMF). Also called: POLYSEROSITIS, FAMILIAL PAROXYSMAL; POLYSEROSITIS, RECURRENT; Periodic peritonitis; Benign paroxysmal peritonitis. Identifiers: Orphanet 342, MedGen C0031069, MONDO:0018088, OMIM 249100. Disease mechanism: gain of function.

Submission:

MGZ Medical Genetics Center
Classification: Uncertain significance for Familial Mediterranean fever. Last evaluated: 2021-10-15. Review status: criteria provided, single submitter. Criteria: ACMG Guidelines, 2015. Collection method: clinical testing. Allele origin: germline. Affected: yes. Observed: 1 variant allele.
Comment: ACMG criteria applied: PM2_SUP, PP3